The following is an entry in ClinVar:

NM_001127649.3(PEX26):c.131T>C (p.Leu44Pro)

Gene: PEX26 (peroxisomal biogenesis factor 26; plus strand). Cytogenetic location: 22q11.21.
Variant type: single nucleotide variant.
Coding change: c.131T>C on transcript NM_001127649.3 (MANE Select); coding-DNA position 131, T replaced by C.
Protein change: p.Leu44Pro; replaces leucine 44 with proline.
Molecular consequence: missense variant.
Genome position (GRCh38, 1-based): chr22:18,078,507, T>C. VCF-style: chr22-18078507-T-C. GRCh37 (hg19) VCF-style: chr22-18561273-T-C.
Other names: c.131T>C, p.Leu44Pro (NM_001199319.2, NM_017929.6); short protein forms L44P.
Identifiers: ClinVar variation 3768062 (VCV003768062.1).

ClinVar aggregate classification (germline): Likely pathogenic (1 of 4 stars; one submission).

Conditions:
Peroxisome biogenesis disorder. Identifiers: Orphanet 79189, MedGen C1832200, MONDO:0019234. Disease mechanism: loss of function.

gnomAD v4.1: 4 of 1,571,546 alleles (0.00025%); highest among the groups gnomAD compares: Non-Finnish European, 0.00034%; no homozygotes.

Submission:

Women's Health and Genetics/Laboratory Corporation of America, LabCorp
Classification: Likely pathogenic for Peroxisome biogenesis disorder. Last evaluated: 2024-12-13. Review status: criteria provided, single submitter. Criteria: LabCorp Variant Classification Summary - May 2015. Collection method: clinical testing. Allele origin: germline.
Comment: Variant summary: PEX26 c.131T>C (p.Leu44Pro) results in a non-conservative amino acid change in the encoded protein sequence. Five of five in-silico tools predict a damaging effect of the variant on protein function. The variant was absent in 173960 control chromosomes (gnomAD). c.131T>C has been reported in the literature in individuals affected with PEX26 related conditions (examples: Weller_2005, Furuki_2006). These data indicate that the variant may be associated with disease. In vitro functional studies show that the variant has impaired activity (examples: Weller_2005, Furuki_2006). The following publications have been ascertained in the context of this evaluation (PMID: 21031596, 16257970, 34430430, 17055079, 30446579, 15858711). No submitters have cited clinical-significance assessments for this variant to ClinVar. Based on the evidence outlined above, the variant was classified as likely pathogenic.

Literature cited by the submitters: PubMed 21031596; PubMed 16257970; PubMed 15858711; PubMed 30446579; PubMed 34430430; PubMed 17055079.